The following is an entry in ClinVar:

NM_182961.4(SYNE1):c.14513A>G (p.His4838Arg)

Gene: SYNE1 (spectrin repeat containing nuclear envelope protein 1; minus strand). Cytogenetic location: 6q25.2.
Variant type: single nucleotide variant.
Coding change: c.14513A>G on transcript NM_182961.4 (MANE Select); coding-DNA position 14513, A replaced by G.
Protein change: p.His4838Arg; replaces histidine 4838 with arginine.
Molecular consequence: missense variant.
Genome position (GRCh38, 1-based): chr6:152,330,172, T>C on the plus strand (A>G on the coding strand, the complement: SYNE1 is on the minus strand). VCF-style: chr6-152330172-T-C. GRCh37 (hg19) VCF-style: chr6-152651307-T-C.
Other names: c.14300A>G, p.His4767Arg (NM_033071.5); short protein forms H4838R, H4767R.
Identifiers: ClinVar variation 857672 (VCV000857672.11), dbSNP rs577675508, ClinGen allele CA4055991.

ClinVar aggregate classification (germline): Uncertain significance. Review status: criteria provided, multiple submitters, no conflicts (2 of 4 stars). 2 submissions from 2 submitters: Uncertain significance (2). Last evaluated 2026-07-01.

Conditions:
Autosomal recessive ataxia, Beauce type. Also called: SYNE1-Related Autosomal Recessive Cerebellar Ataxia; SYNE1 Deficiency; ATAXIA, RECESSIVE, OF BEAUCE; Spinocerebellar ataxia, autosomal recessive 8. Identifiers: Orphanet 88644, MedGen C1853116, MONDO:0012549, OMIM 610743.
Emery-Dreifuss muscular dystrophy 4, autosomal dominant (EDMD4). Also called: EMERY-DREIFUSS MUSCULAR DYSTROPHY 4 WITH VARIABLE FEATURES. Identifiers: Orphanet 261, MedGen C2751807, MONDO:0013071, OMIM 612998.

Allele frequency attached by ClinVar (database versions not stated): TOPMed below 0.00001; gnomAD 0.00001; gnomAD exomes 0.00002; ExAC 0.00004; 1000 Genomes Project 30x 0.00016; 1000 Genomes Project 0.00020.
gnomAD v4.1: 5 of 1,614,196 alleles (0.00031%); highest among the groups gnomAD compares: East Asian, 0.011%; no homozygotes.

Submissions (2):

CeGaT Center for Human Genetics Tuebingen
Classification: Uncertain significance. Last evaluated: 2026-07-01. Review status: criteria provided, single submitter. Criteria: CeGaT Center For Human Genetics Tuebingen Variant Classification Criteria Version 2. Collection method: clinical testing. Allele origin: germline. Affected: yes. Observed: 1 variant allele.
Comment: SYNE1: PM2, BP4

Labcorp Genetics (formerly Invitae), Labcorp
Classification: Uncertain significance for Emery-Dreifuss muscular dystrophy 4, autosomal dominant; Autosomal recessive ataxia, Beauce type. Last evaluated: 2019-12-11. Review status: criteria provided, single submitter. Criteria: Invitae Variant Classification Sherloc (09022015). Collection method: clinical testing. Allele origin: germline.
Comment: In summary, the available evidence is currently insufficient to determine the role of this variant in disease. Therefore, it has been classified as a Variant of Uncertain Significance. Algorithms developed to predict the effect of missense changes on protein structure and function are either unavailable or do not agree on the potential impact of this missense change (SIFT: "Deleterious"; PolyPhen-2: "Benign"; Align-GVGD: "Class C25"). This variant has not been reported in the literature in individuals with SYNE1-related conditions. This variant is present in population databases (rs577675508, ExAC 0.06%). This sequence change replaces histidine with arginine at codon 4767 of the SYNE1 protein (p.His4767Arg). The histidine residue is highly conserved and there is a small physicochemical difference between histidine and arginine.